The following is an entry in ClinVar:

ClinVar aggregate classification (germline): Uncertain significance (1 of 4 stars; one submission).

Allele frequency attached by ClinVar (database versions not stated): gnomAD exomes below 0.00001.
gnomAD v4.1: 5 of 1,614,180 alleles (0.00031%); highest among the groups gnomAD compares: Middle Eastern, 0.049%; no homozygotes.

Submission:

Labcorp Genetics (formerly Invitae), Labcorp
Classification: Uncertain significance. Last evaluated: 2022-08-15. Review status: criteria provided, single submitter. Criteria: Invitae Variant Classification Sherloc (09022015). Collection method: clinical testing. Allele origin: germline.
Comment: Algorithms developed to predict the effect of missense changes on protein structure and function output the following: SIFT: "Not Available"; PolyPhen-2: "Benign"; Align-GVGD: "Not Available". The arginine amino acid residue is found in multiple mammalian species, which suggests that this missense change does not adversely affect protein function. In summary, the available evidence is currently insufficient to determine the role of this variant in disease. Therefore, it has been classified as a Variant of Uncertain Significance. This sequence change replaces glutamine, which is neutral and polar, with arginine, which is basic and polar, at codon 321 of the OAS1 protein (p.Gln321Arg). This variant is not present in population databases (gnomAD no frequency). This variant has not been reported in the literature in individuals affected with OAS1-related conditions.

NM_016816.4(OAS1):c.962A>G (p.Gln321Arg)

Gene: OAS1 (2'-5'-oligoadenylate synthetase 1; plus strand). Cytogenetic location: 12q24.13.
Variant type: single nucleotide variant.
Coding change: c.962A>G on transcript NM_016816.4 (MANE Select); coding-DNA position 962, A replaced by G.
Protein change: p.Gln321Arg; replaces glutamine 321 with arginine.
Molecular consequence: missense variant.
Genome position (GRCh38, 1-based): chr12:112,917,624, A>G. VCF-style: chr12-112917624-A-G. GRCh37 (hg19) VCF-style: chr12-113355429-A-G.
Other names: c.962A>G, p.Gln321Arg (NM_001032409.3, NM_001320151.2, NM_001406022.1 and 2 more transcripts); c.938A>G, p.Gln313Arg (NM_001406020.1, NM_001406021.1, NM_001406023.1 and 2 more transcripts); c.488A>G, p.Gln163Arg (NM_001406026.1, NM_001406027.1, NM_001406029.1 and 1 more transcripts); short protein forms Q163R, Q321R, Q313R.
Identifiers: ClinVar variation 2191320 (VCV002191320.4), dbSNP rs2540977366, ClinGen allele CA386807956.